The following is an entry in ClinVar:

ClinVar aggregate classification (germline): Uncertain significance (0 of 4 stars; one submission).

Conditions:
MRAP2-related disorder. Also called: MRAP2-related condition.

Allele frequency attached by ClinVar (database versions not stated): ExAC 0.00001; TOPMed 0.00002; gnomAD 0.00003; ESP Exome Variant Server 0.00008.
gnomAD v4.1: 26 of 1,611,970 alleles (0.0016%); highest among the groups gnomAD compares: Non-Finnish European, 0.0021%; no homozygotes.

Submission:

PreventionGenetics, part of Exact Sciences
Classification: Uncertain significance for MRAP2-related condition. Last evaluated: 2023-11-27. Review status: no assertion criteria provided. Collection method: clinical testing. Allele origin: germline.
Comment: The MRAP2 c.122A>C variant is predicted to result in the amino acid substitution p.His41Pro. To our knowledge, this variant has not been reported in the literature. This variant is reported in 0.0040% of alleles in individuals of African descent in gnomAD. At this time, the clinical significance of this variant is uncertain due to the absence of conclusive functional and genetic evidence.

NM_138409.4(MRAP2):c.122A>C (p.His41Pro)

Gene: MRAP2 (melanocortin 2 receptor accessory protein 2; plus strand). Cytogenetic location: 6q14.2.
Variant type: single nucleotide variant.
Coding change: c.122A>C on transcript NM_138409.4 (MANE Select); coding-DNA position 122, A replaced by C.
Protein change: p.His41Pro; replaces histidine 41 with proline.
Molecular consequence: missense variant. On other transcripts: 5 prime UTR variant (2).
Genome position (GRCh38, 1-based): chr6:84,055,440, A>C. VCF-style: chr6-84055440-A-C. GRCh37 (hg19) VCF-style: chr6-84765159-A-C.
Other names: c.-37A>C (NM_001346541.2); c.122A>C, p.His41Pro (NM_001346542.2, NM_001346544.2); c.-138A>C (NM_001346543.2); short protein forms H41P.
Identifiers: ClinVar variation 3058708 (VCV003058708.2), dbSNP rs374009541, ClinGen allele CA3909558.